The following is an entry in ClinVar:

ClinVar aggregate classification (germline): Uncertain significance. Review status: criteria provided, multiple submitters, no conflicts (2 of 4 stars). 2 submissions from 2 submitters: Uncertain significance (2). Last evaluated 2025-09-04.

Allele frequency attached by ClinVar (database versions not stated): gnomAD exomes 0.00001; ExAC 0.00002; gnomAD 0.00002; TOPMed 0.00003.
gnomAD v4.1: 17 of 1,614,082 alleles (0.0011%); highest among the groups gnomAD compares: Middle Eastern, 0.016%; no homozygotes.

Submissions (2):

Labcorp Genetics (formerly Invitae), Labcorp
Classification: Uncertain significance. Last evaluated: 2025-09-04. Review status: criteria provided, single submitter. Criteria: Invitae Variant Classification Sherloc (09022015). Collection method: clinical testing. Allele origin: germline.
Comment: This sequence change replaces leucine, which is neutral and non-polar, with serine, which is neutral and polar, at codon 432 of the IFNAR2 protein (p.Leu432Ser). This variant is present in population databases (rs763638771, gnomAD 0.02%). This variant has not been reported in the literature in individuals affected with IFNAR2-related conditions. ClinVar contains an entry for this variant (Variation ID: 1903982). An algorithm developed to predict the effect of missense changes on protein structure and function (PolyPhen-2) suggests that this variant is likely to be tolerated. In summary, the available evidence is currently insufficient to determine the role of this variant in disease. Therefore, it has been classified as a Variant of Uncertain Significance.

Ambry Genetics
Classification: Uncertain significance. Last evaluated: 2025-04-12. Review status: criteria provided, single submitter. Criteria: Ambry Variant Classification Scheme 2023. Collection method: clinical testing. Allele origin: germline.

NM_001289125.3(IFNAR2):c.1295T>C (p.Leu432Ser)

Genes: IFNAR2 (interferon alpha and beta receptor subunit 2; plus strand), IFNAR2-IL10RB (IFNAR2-IL10RB readthrough; plus strand). Cytogenetic location: 21q22.11.
Variant type: single nucleotide variant.
Coding change: c.1295T>C on transcript NM_001289125.3 (MANE Select); coding-DNA position 1295, T replaced by C.
Protein change: p.Leu432Ser; replaces leucine 432 with serine.
Molecular consequence: missense variant. On other transcripts: 3 prime UTR variant (5).
Genome position (GRCh38, 1-based): chr21:33,263,247, T>C. VCF-style: chr21-33263247-T-C. GRCh37 (hg19) VCF-style: chr21-34635552-T-C.
Other names: c.*531T>C (NM_000874.5, NM_207584.3); c.*444T>C (NM_001289126.2, NM_001289128.2); c.*670T>C (NM_001385054.1); c.1295T>C, p.Leu432Ser (NM_001385055.1, NM_207585.3); c.1295T>C (NM_207585.1); short protein forms L432S.
Identifiers: ClinVar variation 1903982 (VCV001903982.4), dbSNP rs763638771, ClinGen allele CA10005957.